The following is an entry in ClinVar:

ClinVar aggregate classification (germline): Likely benign. Review status: criteria provided, multiple submitters, no conflicts (2 of 4 stars). 3 submissions from 3 submitters: Likely benign (3). Last evaluated 2025-01-20.

Conditions:
Intellectual developmental disorder, autosomal dominant 6, with or without seizures. Also called: Intellectual disability, autosomal dominant 6; GRIN2B-related developmental delay, intellectual disability and autism spectrum disorder. Identifiers: Orphanet 589547, MedGen C3151411, MONDO:0013509, OMIM 613970.
Developmental and epileptic encephalopathy, 27 (DEE27). Also called: GRIN2B-Related Neurodevelopmental Disorder; Epileptic encephalopathy, early infantile, 27. Identifiers: Orphanet 3451, MedGen C4015316, MONDO:0014505, OMIM 616139.

Allele frequency attached by ClinVar (database versions not stated): gnomAD 0.00003; TOPMed 0.00003; gnomAD exomes 0.00002.
gnomAD v4.1: 35 of 1,614,080 alleles (0.0022%); highest among the groups gnomAD compares: Non-Finnish European, 0.003%; no homozygotes.

Submissions (3):

Labcorp Genetics (formerly Invitae), Labcorp
Classification: Likely benign for Developmental and epileptic encephalopathy, 27; Intellectual developmental disorder, autosomal dominant 6, with or without seizures. Last evaluated: 2025-01-20. Review status: criteria provided, single submitter. Criteria: Invitae Variant Classification Sherloc (09022015). Collection method: clinical testing. Allele origin: germline.

CeGaT Center for Human Genetics Tuebingen
Classification: Likely benign. Last evaluated: 2022-07-01. Review status: criteria provided, single submitter. Criteria: CeGaT Center For Human Genetics Tuebingen Variant Classification Criteria Version 2. Collection method: clinical testing. Allele origin: germline. Affected: yes. Observed: 1 variant allele.
Comment: GRIN2B: BP4, BP7

Blueprint Genetics
Classification: Likely benign. Last evaluated: 2020-03-19. Review status: criteria provided, single submitter. Criteria: ACMG Guidelines, 2015. Collection method: clinical testing. Allele origin: germline.

NM_000834.5(GRIN2B):c.3300G>A (p.Arg1100=)

Gene: GRIN2B (glutamate ionotropic receptor NMDA type subunit 2B; minus strand). Cytogenetic location: 12p13.1.
Variant type: single nucleotide variant.
Coding change: c.3300G>A on transcript NM_000834.5 (MANE Select); coding-DNA position 3300, G replaced by A.
Protein change: p.Arg1100=; no amino-acid change (arginine 1100 retained).
Molecular consequence: synonymous variant.
Genome position (GRCh38, 1-based): chr12:13,563,938, C>T on the plus strand (G>A on the coding strand, the complement: GRIN2B is on the minus strand). VCF-style: chr12-13563938-C-T. GRCh37 (hg19) VCF-style: chr12-13716872-C-T.
Identifiers: ClinVar variation 701518 (VCV000701518.36), dbSNP rs200509787, ClinGen allele CA233133913.
Genomic context (GRCh38, chr12:13,563,938, plus strand): 5'-CTTGTGGTCAGGGGAGCGGGGCGGTCGGCGACGGTAGGCCAGCTCGATCTCGTCAAACTC[C>T]CTGCGGGACTTGGCCGAGGCAGGCCGCTTCTTCAGGCTGTCCTTATATTGCTGCTTACGC-3'
Protein context (NP_000825.2, residues 1090-1110): KKRPASAKSR[Arg1100=]EFDEIELAYR